The following is an entry in ClinVar:

NM_000256.3(MYBPC3):c.740T>G (p.Phe247Cys)

Gene: MYBPC3 (myosin binding protein C3; minus strand). Cytogenetic location: 11p11.2.
Variant type: single nucleotide variant.
Coding change: c.740T>G on transcript NM_000256.3 (MANE Select); coding-DNA position 740, T replaced by G.
Protein change: p.Phe247Cys; replaces phenylalanine 247 with cysteine.
Molecular consequence: missense variant.
Genome position (GRCh38, 1-based): chr11:47,348,456, A>C on the plus strand (T>G on the coding strand, the complement: MYBPC3 is on the minus strand). VCF-style: chr11-47348456-A-C. GRCh37 (hg19) VCF-style: chr11-47370007-A-C.
Other names: short protein forms F247C.
Identifiers: ClinVar variation 4860506 (VCV004860506.1).

ClinVar aggregate classification (germline): Uncertain significance (1 of 4 stars; one submission).

Conditions:
Cardiovascular phenotype. Identifiers: MedGen CN230736.

gnomAD v4.1: 1 of 1,613,284 alleles (0.000062%); highest among the groups gnomAD compares: South Asian, 0.0011%; no homozygotes.

Submission:

Ambry Genetics
Classification: Uncertain significance for Cardiovascular phenotype. Last evaluated: 2026-03-21. Review status: criteria provided, single submitter. Criteria: Ambry Variant Classification Scheme 2023. Collection method: clinical testing. Allele origin: germline.
Comment: The p.F247C variant (also known as c.740T>G), located in coding exon 6 of the MYBPC3 gene, results from a T to G substitution at nucleotide position 740. The phenylalanine at codon 247 is replaced by cysteine, an amino acid with highly dissimilar properties. This amino acid position is conserved. In addition, this alteration is predicted to be deleterious by in silico analysis. Based on the available evidence, the clinical significance of this variant remains unclear.